The following is an entry in ClinVar:

ClinVar aggregate classification (germline): Uncertain significance. Review status: criteria provided, multiple submitters, no conflicts (2 of 4 stars). 2 submissions from 2 submitters: Uncertain significance (2). Last evaluated 2024-06-10.

Conditions:
Retinitis pigmentosa 93. Identifiers: MedGen C5676970, MONDO:0030797, OMIM 619845.
COACH syndrome 2. Identifiers: MedGen C5436837, MONDO:0030859, OMIM 619111.
Meckel syndrome, type 6. Identifiers: Orphanet 564, MedGen C2676790, MONDO:0012848, OMIM 612284.
Joubert syndrome 9 (JBTS9). Identifiers: Orphanet 2318, MedGen C2676788, MONDO:0012849, OMIM 612285.
Joubert syndrome. Also called: Familial aplasia of the vermis; JOUBERT-BOLTSHAUSER SYNDROME. Identifiers: Orphanet 475, MedGen C5979921, MONDO:0018772.
Meckel-Gruber syndrome. Also called: Dysencephalia splachnocystica; DYSENCEPHALIA SPLANCHNOCYSTICA; GRUBER SYNDROME. Identifiers: Orphanet 564, MedGen C0265215, MONDO:0018921.

Allele frequency attached by ClinVar (database versions not stated): ExAC 0.00001; gnomAD exomes 0.00002.
gnomAD v4.1: 32 of 1,598,480 alleles (0.002%); highest among the groups gnomAD compares: Non-Finnish European, 0.0026%; no homozygotes.

Submissions (2):

Fulgent Genetics
Classification: Uncertain significance for Meckel syndrome, type 6; Joubert syndrome 9; COACH syndrome 2; Retinitis pigmentosa 93. Last evaluated: 2024-06-10. Review status: criteria provided, single submitter. Criteria: ACMG Guidelines, 2015. Collection method: clinical testing. Allele origin: germline.

Labcorp Genetics (formerly Invitae), Labcorp
Classification: Uncertain significance for Joubert syndrome; Meckel-Gruber syndrome. Last evaluated: 2021-12-25. Review status: criteria provided, single submitter. Criteria: Invitae Variant Classification Sherloc (09022015). Collection method: clinical testing. Allele origin: germline.
Comment: This sequence change replaces lysine, which is basic and polar, with asparagine, which is neutral and polar, at codon 940 of the CC2D2A protein (p.Lys940Asn). This variant is present in population databases (rs762973984, gnomAD 0.002%). This variant has not been reported in the literature in individuals affected with CC2D2A-related conditions. Algorithms developed to predict the effect of missense changes on protein structure and function are either unavailable or do not agree on the potential impact of this missense change (SIFT: "Deleterious"; PolyPhen-2: "Benign"; Align-GVGD: "Class C0"). In summary, the available evidence is currently insufficient to determine the role of this variant in disease. Therefore, it has been classified as a Variant of Uncertain Significance.

NM_001378615.1(CC2D2A):c.2820G>C (p.Lys940Asn)

Genes: CC2D2A (coiled-coil and C2 domain containing 2A; plus strand), FBXL5 (F-box and leucine rich repeat protein 5; minus strand). Cytogenetic location: 4p15.32.
Variant type: single nucleotide variant.
Coding change: c.2820G>C on transcript NM_001378615.1 (MANE Select); coding-DNA position 2820, G replaced by C.
Protein change: p.Lys940Asn; replaces lysine 940 with asparagine.
Molecular consequence: missense variant.
Genome position (GRCh38, 1-based): chr4:15,557,498, G>C. VCF-style: chr4-15557498-G-C. GRCh37 (hg19) VCF-style: chr4-15559121-G-C.
Other names: c.2820G>C, p.Lys940Asn (NM_001080522.2); c.2673G>C, p.Lys891Asn (NM_001378617.1); short protein forms K891N, K940N.
Identifiers: ClinVar variation 1982194 (VCV001982194.5), dbSNP rs762973984, ClinGen allele CA2864008.